The following is an entry in ClinVar:

NM_001018115.3(FANCD2):c.2273G>A (p.Cys758Tyr)

Genes: FANCD2 (FA complementation group D2; plus strand), LOC107303338 (3p25 FANCD2 Alu-mediated recombination region; plus strand). Cytogenetic location: 3p25.3.
Variant type: single nucleotide variant.
Coding change: c.2273G>A on transcript NM_001018115.3 (MANE Select); coding-DNA position 2273, G replaced by A.
Protein change: p.Cys758Tyr; replaces cysteine 758 with tyrosine.
Molecular consequence: missense variant.
Genome position (GRCh38, 1-based): chr3:10,065,867, G>A. VCF-style: chr3-10065867-G-A. GRCh37 (hg19) VCF-style: chr3-10107551-G-A.
Other names: c.2273G>A, p.Cys758Tyr (NM_001319984.2, NM_001374254.1, NM_033084.6); c.2162G>A, p.Cys721Tyr (NM_001374253.1); short protein forms C721Y, C758Y.
Identifiers: ClinVar variation 2445392 (VCV002445392.3), dbSNP rs540805431, ClinGen allele CA351735266.

ClinVar aggregate classification (germline): Conflicting classifications of pathogenicity. Review status: criteria provided, conflicting classifications (1 of 4 stars). 2 submissions from 2 submitters: Likely pathogenic (1); Uncertain significance (1). Last evaluated 2025-09-05.

Conditions:
Ovarian cancer. Also called: OVARIAN CANCER, SOMATIC. Identifiers: Orphanet 213500, MedGen C1140680, MONDO:0008170, OMIM 167000.
Fanconi anemia (FA). Also called: Fanconi's anemia. Identifiers: Orphanet 84, MedGen C0015625, MeSH D005199, MONDO:0019391.

Submissions (2):

Labcorp Genetics (formerly Invitae), Labcorp
Classification: Uncertain significance for Fanconi anemia. Last evaluated: 2025-09-05. Review status: criteria provided, single submitter. Criteria: Invitae Variant Classification Sherloc (09022015). Collection method: clinical testing. Allele origin: germline.
Comment: This sequence change replaces cysteine, which is neutral and slightly polar, with tyrosine, which is neutral and polar, at codon 758 of the FANCD2 protein (p.Cys758Tyr). This variant is not present in population databases (gnomAD no frequency). This variant has not been reported in the literature in individuals affected with FANCD2-related conditions. ClinVar contains an entry for this variant (Variation ID: 2445392). Invitae Evidence Modeling of protein sequence and biophysical properties (such as structural, functional, and spatial information, amino acid conservation, physicochemical variation, residue mobility, and thermodynamic stability) indicates that this missense variant is expected to disrupt FANCD2 protein function with a positive predictive value of 80%. In summary, the available evidence is currently insufficient to determine the role of this variant in disease. Therefore, it has been classified as a Variant of Uncertain Significance.

Laboratory of Molecular Epidemiology of Birth Defects, West China Second University Hospital, Sichuan University
Classification: Likely pathogenic for Ovarian cancer. Last evaluated: 2022-01-01. Review status: criteria provided, single submitter. Criteria: ACMG Guidelines, 2015. Collection method: clinical testing. Allele origin: germline. Affected: yes.